The following is an entry in ClinVar:

ClinVar aggregate classification (germline): Pathogenic (1 of 4 stars; one submission).

Conditions:
Fanconi anemia (FA). Also called: Fanconi's anemia. Identifiers: Orphanet 84, MedGen C0015625, MeSH D005199, MONDO:0019391.

Submission:

Labcorp Genetics (formerly Invitae), Labcorp
Classification: Pathogenic for Fanconi anemia. Last evaluated: 2023-02-14. Review status: criteria provided, single submitter. Criteria: Invitae Variant Classification Sherloc (09022015). Collection method: clinical testing. Allele origin: germline.
Comment: This variant has not been reported in the literature in individuals affected with FANCA-related conditions. This sequence change creates a premature translational stop signal (p.Gly1039Alafs*21) in the FANCA gene. It is expected to result in an absent or disrupted protein product. Loss-of-function variants in FANCA are known to be pathogenic (PMID: 19367192). This variant is not present in population databases (gnomAD no frequency). Algorithms developed to predict the effect of sequence changes on RNA splicing suggest that this variant may create or strengthen a splice site. For these reasons, this variant has been classified as Pathogenic.

Literature cited by the submitters: PubMed 19367192.

NM_000135.4(FANCA):c.3116del (p.Gly1039fs)

Gene: FANCA (FA complementation group A; minus strand). Cytogenetic location: 16q24.3.
Variant type: Deletion.
Coding change: c.3116del on transcript NM_000135.4 (MANE Select); coding-DNA position 3116, one base deleted (G; older notation c.3116delG).
Protein change: p.Gly1039fs; shifts the reading frame from glycine 1039.
Molecular consequence: frameshift variant.
Genome position (GRCh38, 1-based): chr16:89,749,853, C deleted on the plus strand (G on the coding strand, the reverse complement: FANCA is on the minus strand); the first of 2 consecutive C bases (chr16:89,749,853-89,749,854); deleting either gives the same sequence. VCF-style (leftmost placement, unchanged base first): chr16-89749852-GC-G. GRCh37 (hg19) VCF-style: chr16-89816260-GC-G.
Other names: c.3116del, p.Gly1039fs (NM_001286167.3); short protein forms G1039fs.
Identifiers: ClinVar variation 2836992 (VCV002836992.3), dbSNP rs2544130253, ClinGen allele CA2739267028.
Genomic context (GRCh38, chr16:89,749,852, plus strand): 5'-CAGAGCCTGGAGCCGTCTGCGGAAAATCTCAAAGAGGAAGTGCTCCTGGGAAGGGGTGTG[GC>G]CGAGAGGCACTATGAGGTCTTGCTGCAGCTCCAGGTCAGCTACCATCTCCTGAAAAAGAG-3'